The following is an entry in ClinVar:

NM_198586.3(NHLRC1):c.782T>C (p.Leu261Pro)

Gene: NHLRC1 (NHL repeat containing E3 ubiquitin protein ligase 1; minus strand). Cytogenetic location: 6p22.3.
Variant type: single nucleotide variant.
Coding change: c.782T>C on transcript NM_198586.3 (MANE Select); coding-DNA position 782, T replaced by C.
Protein change: p.Leu261Pro; replaces leucine 261 with proline.
Molecular consequence: missense variant.
Genome position (GRCh38, 1-based): chr6:18,121,825, A>G on the plus strand (T>C on the coding strand, the complement: NHLRC1 is on the minus strand). VCF-style: chr6-18121825-A-G. GRCh37 (hg19) VCF-style: chr6-18122056-A-G.
Other names: c.782T>C (NM_198586.2); short protein forms L261P.
Identifiers: ClinVar variation 1493578 (VCV001493578.7), dbSNP rs879745047, ClinGen allele CA134959841.

ClinVar aggregate classification (germline): Conflicting classifications of pathogenicity. Review status: criteria provided, conflicting classifications (1 of 4 stars). 2 submissions from 2 submitters: Likely pathogenic (1); Uncertain significance (1). Last evaluated 2024-11-10.

Conditions:
Lafora disease. Also called: Epilepsy progressive myoclonic 2. Identifiers: Orphanet 501, MedGen C0751783, MONDO:0009697.

Allele frequency attached by ClinVar (database versions not stated): gnomAD exomes below 0.00001; gnomAD 0.00001; TOPMed 0.00001.

Submissions (2):

GeneDx
Classification: Likely pathogenic. Last evaluated: 2024-11-10. Review status: criteria provided, single submitter. Criteria: GeneDx Variant Classification Process June 2021. Collection method: clinical testing. Allele origin: germline. Affected: yes.
Comment: Published functional studies demonstrate a damaging effect and show that this variant impairs binding of malin to laforin and leads to glycogen accumulation (PMID: 21505799); In silico analysis supports that this missense variant has a deleterious effect on protein structure/function; Not observed at significant frequency in large population cohorts (gnomAD); This variant is associated with the following publications: (PMID: Baloch2023[Case Report], 21505799)

Labcorp Genetics (formerly Invitae), Labcorp
Classification: Uncertain significance for Lafora disease. Last evaluated: 2022-08-15. Review status: criteria provided, single submitter. Criteria: Invitae Variant Classification Sherloc (09022015). Collection method: clinical testing. Allele origin: germline.
Comment: In summary, the available evidence is currently insufficient to determine the role of this variant in disease. Therefore, it has been classified as a Variant of Uncertain Significance. Experimental studies have shown that this missense change affects NHLRC1 function (PMID: 21505799). Algorithms developed to predict the effect of missense changes on protein structure and function (SIFT, PolyPhen-2, Align-GVGD) all suggest that this variant is likely to be disruptive. ClinVar contains an entry for this variant (Variation ID: 1493578). This missense change has been observed in individual(s) with autosomal recessive progressive myoclonic epilepsy (Lafora disease) (PMID: 21505799). This variant is present in population databases (no rsID available, gnomAD 0.0009%). This sequence change replaces leucine, which is neutral and non-polar, with proline, which is neutral and non-polar, at codon 261 of the NHLRC1 protein (p.Leu261Pro).

Literature cited by the submitters: PubMed 21505799 (cited by Labcorp Genetics (formerly Invitae), Labcorp).